The following is an entry in ClinVar:

ClinVar aggregate classification (germline): Uncertain significance. Review status: criteria provided, multiple submitters, no conflicts (2 of 4 stars). 2 submissions from 2 submitters: Uncertain significance (2). Last evaluated 2024-12-18.

gnomAD v4.1: 4 of 1,498,394 alleles (0.00027%); highest among the groups gnomAD compares: Middle Eastern, 0.018%; no homozygotes.

Submissions (2):

Labcorp Genetics (formerly Invitae), Labcorp
Classification: Uncertain significance. Last evaluated: 2024-12-18. Review status: criteria provided, single submitter. Criteria: Invitae Variant Classification Sherloc (09022015). Collection method: clinical testing. Allele origin: germline.
Comment: This sequence change falls in intron 9 of the KIF11 gene. It does not directly change the encoded amino acid sequence of the KIF11 protein. It affects a nucleotide within the consensus splice site. The frequency data for this variant in the population databases is considered unreliable, as metrics indicate poor data quality at this position in the gnomAD database. This variant has not been reported in the literature in individuals affected with KIF11-related conditions. Variants that disrupt the consensus splice site are a relatively common cause of aberrant splicing (PMID: 17576681, 9536098). Algorithms developed to predict the effect of sequence changes on RNA splicing suggest that this variant is not likely to affect RNA splicing. In summary, the available evidence is currently insufficient to determine the role of this variant in disease. Therefore, it has been classified as a Variant of Uncertain Significance.

Women's Health and Genetics/Laboratory Corporation of America, LabCorp
Classification: Uncertain significance. Last evaluated: 2024-11-19. Review status: criteria provided, single submitter. Criteria: LabCorp Variant Classification Summary - May 2015. Collection method: clinical testing. Allele origin: germline.
Comment: Variant summary: KIF11 c.1128+5C>G alters a non-conserved nucleotide located close to a canonical splice site and therefore could affect mRNA splicing, leading to a significantly altered protein sequence. Consensus agreement among computational tools predict no significant impact on normal splicing. However, these predictions have yet to be confirmed by functional studies. The variant allele was found at a frequency of 4.3e-06 in 230174 control chromosomes. The available data on variant occurrences in the general population are insufficient to allow any conclusion about variant significance. To our knowledge, no occurrence of c.1128+5C>G in individuals affected with Microcephaly With Or Without Chorioretinopathy, Lymphedema, Or Intellectual Disability and no experimental evidence demonstrating its impact on protein function have been reported. No submitters have cited clinical-significance assessments for this variant to ClinVar. Based on the evidence outlined above, the variant was classified as uncertain significance.

Literature cited by the submitters: PubMed 17576681 (cited by Labcorp Genetics (formerly Invitae), Labcorp); PubMed 9536098 (cited by Labcorp Genetics (formerly Invitae), Labcorp).

NM_004523.4(KIF11):c.1128+5C>G

Gene: KIF11 (kinesin family member 11; plus strand). Cytogenetic location: 10q23.33.
Variant type: single nucleotide variant.
Coding change: c.1128+5C>G on transcript NM_004523.4 (MANE Select); 5 bases into the intron after coding-DNA position 1128, C replaced by G.
Molecular consequence: intron variant.
Genome position (GRCh38, 1-based): chr10:92,616,837, C>G. VCF-style: chr10-92616837-C-G. GRCh37 (hg19) VCF-style: chr10-94376594-C-G.
Identifiers: ClinVar variation 3620819 (VCV003620819.2).